The following is an entry in ClinVar:

ClinVar aggregate classification (germline): Uncertain significance. Review status: criteria provided, multiple submitters, no conflicts (2 of 4 stars). 3 submissions from 3 submitters: Uncertain significance (3). Last evaluated 2026-03-04.

Conditions:
Malignant tumor of urinary bladder. Also called: Bladder cancer; Urinary bladder cancer; Urinary Bladder Neoplasms. Identifiers: MedGen C0005684, MONDO:0001187, OMIM 109800.
Retinoblastoma (RB1). Also called: RETINOBLASTOMA, SOMATIC. Identifiers: Orphanet 790, MedGen C0035335, MeSH D012175, MONDO:0008380, OMIM 180200, HP:0009919. Disease mechanism: loss of function. Inheritance: Both sporadic and heritable forms are tested..
Hereditary cancer-predisposing syndrome. Also called: Tumor predisposition; Neoplastic Syndromes, Hereditary; Hereditary Cancer Syndrome; Hereditary neoplastic syndrome. Identifiers: Orphanet 140162, MedGen C0027672, MeSH D009386, MONDO:0015356.

Allele frequency attached by ClinVar (database versions not stated): gnomAD exomes below 0.00001; ExAC 0.00001; gnomAD 0.00001; TOPMed 0.00001; ESP Exome Variant Server 0.00008.
gnomAD v4.1: 2 of 1,561,834 alleles (0.00013%); highest among the groups gnomAD compares: Non-Finnish European, 0.00018%; no homozygotes.

Submissions (3):

Ambry Genetics
Classification: Uncertain significance for Hereditary cancer-predisposing syndrome. Last evaluated: 2026-03-04. Review status: criteria provided, single submitter. Criteria: Ambry Variant Classification Scheme 2023. Collection method: clinical testing. Allele origin: germline.
Comment: The p.G89E variant (also known as c.266G>A), located in coding exon 3 of the RB1 gene, results from a G to A substitution at nucleotide position 266. The glycine at codon 89 is replaced by glutamic acid, an amino acid with very few similar properties. This amino acid position is not well conserved in available vertebrate species with glutamic acid being the reference amino acid in many vertebrate species. In addition, this alteration is predicted to be tolerated by in silico analysis. In silico splice site analysis predicts that this alteration will result in the creation or strengthening of a novel splice acceptor site; however, direct evidence is insufficient at this time (Ambry internal data). Since supporting evidence is limited at this time, the clinical significance of this alteration remains unclear.

Baylor Genetics
Classification: Uncertain significance for Malignant tumor of urinary bladder. Last evaluated: 2024-02-23. Review status: criteria provided, single submitter. Criteria: ACMG Guidelines, 2015. Collection method: clinical testing. Allele origin: unknown.

Labcorp Genetics (formerly Invitae), Labcorp
Classification: Uncertain significance for Retinoblastoma. Last evaluated: 2020-11-10. Review status: criteria provided, single submitter. Criteria: Invitae Variant Classification Sherloc (09022015). Collection method: clinical testing. Allele origin: germline.
Comment: In summary, the available evidence is currently insufficient to determine the role of this variant in disease. Therefore, it has been classified as a Variant of Uncertain Significance. This variant has not been reported in the literature in individuals with RB1-related conditions. ClinVar contains an entry for this variant (Variation ID: 821651). Algorithms developed to predict the effect of missense changes on protein structure and function output the following: SIFT: "Tolerated"; PolyPhen-2: "Benign"; Align-GVGD: "Class C0". The glutamic acid amino acid residue is found in multiple mammalian species, suggesting that this missense change does not adversely affect protein function. These predictions have not been confirmed by published functional studies and their clinical significance is uncertain. This variant is present in population databases (rs371655281, ExAC 0.002%). This sequence change replaces glycine with glutamic acid at codon 89 of the RB1 protein (p.Gly89Glu). The glycine residue is weakly conserved and there is a moderate physicochemical difference between glycine and glutamic acid.

NM_000321.3(RB1):c.266G>A (p.Gly89Glu)

Gene: RB1 (RB transcriptional corepressor 1; plus strand). Cytogenetic location: 13q14.2.
Variant type: single nucleotide variant.
Coding change: c.266G>A on transcript NM_000321.3 (MANE Select); coding-DNA position 266, G replaced by A.
Protein change: p.Gly89Glu; replaces glycine 89 with glutamic acid.
Molecular consequence: missense variant.
Genome position (GRCh38, 1-based): chr13:48,342,600, G>A. VCF-style: chr13-48342600-G-A. GRCh37 (hg19) VCF-style: chr13-48916736-G-A.
Other names: short protein forms G89E.
Identifiers: ClinVar variation 821651 (VCV000821651.14), dbSNP rs371655281, ClinGen allele CA036961.